The following is an entry in ClinVar:

ClinVar aggregate classification (germline): Uncertain significance (1 of 4 stars; one submission).

Conditions:
Giant axonal neuropathy 1 (GAN1). Also called: GIANT AXONAL NEUROPATHY 1, AUTOSOMAL RECESSIVE; GAN-Related Neurodegeneration. Identifiers: Orphanet 643, MedGen C1850386, MONDO:0009749, OMIM 256850.

Allele frequency attached by ClinVar (database versions not stated): gnomAD exomes below 0.00001; ExAC 0.00001; TOPMed 0.00002; gnomAD 0.00003; 1000 Genomes Project 0.00020; 1000 Genomes Project 30x 0.00031.

Submission:

Labcorp Genetics (formerly Invitae), Labcorp
Classification: Uncertain significance for Giant axonal neuropathy 1. Last evaluated: 2021-11-03. Review status: criteria provided, single submitter. Criteria: Invitae Variant Classification Sherloc (09022015). Collection method: clinical testing. Allele origin: germline.
Comment: This sequence change replaces aspartic acid, which is acidic and polar, with asparagine, which is neutral and polar, at codon 383 of the GAN protein (p.Asp383Asn). This variant is present in population databases (rs181568741, gnomAD 0.004%). This variant has not been reported in the literature in individuals affected with GAN-related conditions. Algorithms developed to predict the effect of missense changes on protein structure and function (SIFT, PolyPhen-2, Align-GVGD) all suggest that this variant is likely to be tolerated. In summary, the available evidence is currently insufficient to determine the role of this variant in disease. Therefore, it has been classified as a Variant of Uncertain Significance.

NM_022041.4(GAN):c.1147G>A (p.Asp383Asn)

Gene: GAN (gigaxonin; plus strand). Cytogenetic location: 16q23.2.
Variant type: single nucleotide variant.
Coding change: c.1147G>A on transcript NM_022041.4 (MANE Select); coding-DNA position 1147, G replaced by A.
Protein change: p.Asp383Asn; replaces aspartic acid 383 with asparagine.
Molecular consequence: missense variant.
Genome position (GRCh38, 1-based): chr16:81,363,854, G>A. VCF-style: chr16-81363854-G-A. GRCh37 (hg19) VCF-style: chr16-81397459-G-A.
Other names: c.508G>A, p.Asp170Asn (NM_001377486.1); short protein forms D383N, D170N.
Identifiers: ClinVar variation 1494495 (VCV001494495.3), dbSNP rs181568741, ClinGen allele CA8191635.